The following is an entry in ClinVar:

ClinVar aggregate classification (germline): Uncertain significance (1 of 4 stars; one submission).

Conditions:
Peroxisome biogenesis disorder, complementation group 7 (CG7). Also called: Peroxisome biogenesis disorder, complementation group B. Identifiers: MedGen C1864399.

Allele frequency attached by ClinVar (database versions not stated): gnomAD exomes below 0.00001.
gnomAD v4.1: 2 of 1,426,476 alleles (0.00014%); highest among the groups gnomAD compares: Non-Finnish European, 0.00018%; no homozygotes.

Submission:

Labcorp Genetics (formerly Invitae), Labcorp
Classification: Uncertain significance for Peroxisome biogenesis disorder, complementation group 7. Last evaluated: 2022-02-23. Review status: criteria provided, single submitter. Criteria: Invitae Variant Classification Sherloc (09022015). Collection method: clinical testing. Allele origin: germline.
Comment: This sequence change replaces glycine, which is neutral and non-polar, with serine, which is neutral and polar, at codon 23 of the PEX10 protein (p.Gly23Ser). This variant is not present in population databases (gnomAD no frequency). This variant has not been reported in the literature in individuals affected with PEX10-related conditions. Algorithms developed to predict the effect of missense changes on protein structure and function (SIFT, PolyPhen-2, Align-GVGD) all suggest that this variant is likely to be tolerated. Algorithms developed to predict the effect of sequence changes on RNA splicing suggest that this variant may disrupt the consensus splice site. In summary, the available evidence is currently insufficient to determine the role of this variant in disease. Therefore, it has been classified as a Variant of Uncertain Significance.

NM_002617.4(PEX10):c.67G>A (p.Gly23Ser)

Gene: PEX10 (peroxisomal biogenesis factor 10; minus strand). Cytogenetic location: 1p36.32.
Variant type: single nucleotide variant.
Coding change: c.67G>A on transcript NM_002617.4 (MANE Select); coding-DNA position 67, G replaced by A.
Protein change: p.Gly23Ser; replaces glycine 23 with serine.
Molecular consequence: missense variant. On other transcripts: intron variant (2).
Genome position (GRCh38, 1-based): chr1:2,412,436, C>T on the plus strand (G>A on the coding strand, the complement: PEX10 is on the minus strand). VCF-style: chr1-2412436-C-T. GRCh37 (hg19) VCF-style: chr1-2343875-C-T.
Other names: c.67G>A, p.Gly23Ser (NM_001374425.1, NM_153818.2); c.-321+1161G>A (NM_001374427.1, NM_001374426.1); short protein forms G23S.
Identifiers: ClinVar variation 2095602 (VCV002095602.1), dbSNP rs1643272841, ClinGen allele CA337990518.